The following is an entry in ClinVar:

ClinVar aggregate classification (germline): Uncertain significance (1 of 4 stars; one submission).

Submission:

CeGaT Center for Human Genetics Tuebingen
Classification: Uncertain significance. Last evaluated: 2024-09-01. Review status: criteria provided, single submitter. Criteria: CeGaT Center For Human Genetics Tuebingen Variant Classification Criteria Version 2. Collection method: clinical testing. Allele origin: germline. Affected: yes. Observed: 1 variant allele.
Comment: TRPA1: PM2

NM_007332.3(TRPA1):c.3052_3053delinsAG (p.His1018Ser)

Genes: MSC-AS1 (MSC antisense RNA 1; plus strand), TRPA1 (transient receptor potential cation channel subfamily A member 1; minus strand). Cytogenetic location: 8q21.11.
Variant type: Indel.
Coding change: c.3052_3053delinsAG on transcript NM_007332.3 (MANE Select); coding-DNA positions 3052 to 3053, CA replaced by AG.
Protein change: p.His1018Ser; replaces histidine 1018 with serine.
Molecular consequence: missense variant.
Genome position (GRCh38, 1-based): chr8:72,023,910-72,023,911, TG replaced by CT on the plus strand (CA replaced by AG on the coding strand, the reverse complement: TRPA1 is on the minus strand). VCF-style: chr8-72023910-TG-CT. GRCh37 (hg19) VCF-style: chr8-72936145-TG-CT.
Other names: short protein forms H1018S.
Identifiers: ClinVar variation 3390286 (VCV003390286.14).